The following is an entry in ClinVar:

NM_001042492.3(NF1):c.3993C>G (p.Ser1331Arg)

Gene: NF1 (neurofibromin 1; plus strand). Cytogenetic location: 17q11.2.
Variant type: single nucleotide variant.
Coding change: c.3993C>G on transcript NM_001042492.3 (MANE Select); coding-DNA position 3993, C replaced by G.
Protein change: p.Ser1331Arg; replaces serine 1331 with arginine.
Molecular consequence: missense variant.
Genome position (GRCh38, 1-based): chr17:31,249,002, C>G. VCF-style: chr17-31249002-C-G. GRCh37 (hg19) VCF-style: chr17-29576020-C-G.
Other names: c.3993C>G, p.Ser1331Arg (NM_000267.4); short protein forms S1331R.
Identifiers: ClinVar variation 972571 (VCV000972571.7), dbSNP rs2067448156, ClinGen allele CA398994846.

ClinVar aggregate classification (germline): Uncertain significance (1 of 4 stars; one submission).

Conditions:
Neurofibromatosis, type 1 (NF1). Also called: VON RECKLINGHAUSEN DISEASE; NEUROFIBROMATOSIS, TYPE I, SOMATIC; Peripheral type neurofibromatosis; Neurofibromatosis, type I. Identifiers: Orphanet 636, MedGen C0027831, MONDO:0018975, OMIM 162200. Disease mechanism: loss of function.

Submission:

Labcorp Genetics (formerly Invitae), Labcorp
Classification: Uncertain significance for Neurofibromatosis, type 1. Last evaluated: 2020-08-21. Review status: criteria provided, single submitter. Criteria: Invitae Variant Classification Sherloc (09022015). Collection method: clinical testing. Allele origin: germline.
Comment: In summary, the available evidence is currently insufficient to determine the role of this variant in disease. Therefore, it has been classified as a Variant of Uncertain Significance. Algorithms developed to predict the effect of missense changes on protein structure and function (SIFT, PolyPhen-2, Align-GVGD) all suggest that this variant is likely to be tolerated, but these predictions have not been confirmed by published functional studies and their clinical significance is uncertain. This variant has not been reported in the literature in individuals with NF1-related conditions. This variant is not present in population databases (ExAC no frequency). This sequence change replaces serine with arginine at codon 1331 of the NF1 protein (p.Ser1331Arg). The serine residue is moderately conserved and there is a moderate physicochemical difference between serine and arginine.